The following is an entry in ClinVar:

NM_205836.3(FBXO38):c.1535A>G (p.Asn512Ser)

Gene: FBXO38 (F-box protein 38; plus strand). Cytogenetic location: 5q32.
Variant type: single nucleotide variant.
Coding change: c.1535A>G on transcript NM_205836.3 (MANE Select); coding-DNA position 1535, A replaced by G.
Protein change: p.Asn512Ser; replaces asparagine 512 with serine.
Molecular consequence: missense variant.
Genome position (GRCh38, 1-based): chr5:148,417,121, A>G. VCF-style: chr5-148417121-A-G. GRCh37 (hg19) VCF-style: chr5-147796684-A-G.
Other names: c.1535A>G, p.Asn512Ser (NM_001271723.2, NM_030793.5); short protein forms N512S.
Identifiers: ClinVar variation 2038663 (VCV002038663.4), dbSNP rs2531768193, ClinGen allele CA361660059.

ClinVar aggregate classification (germline): Uncertain significance (1 of 4 stars; one submission).

Conditions:
Distal hereditary motor neuropathy type 2. Identifiers: Orphanet 139525, MedGen C3711384, MeSH C580044, MONDO:0015352.

Allele frequency attached by ClinVar (database versions not stated): gnomAD exomes below 0.00001.
gnomAD v4.1: 1 of 1,613,770 alleles (0.000062%); highest among the groups gnomAD compares: Non-Finnish European, 0.000085%; no homozygotes.

Submission:

Labcorp Genetics (formerly Invitae), Labcorp
Classification: Uncertain significance for Distal hereditary motor neuropathy type 2. Last evaluated: 2023-01-25. Review status: criteria provided, single submitter. Criteria: Invitae Variant Classification Sherloc (09022015). Collection method: clinical testing. Allele origin: germline.
Comment: This sequence change replaces asparagine, which is neutral and polar, with serine, which is neutral and polar, at codon 512 of the FBXO38 protein (p.Asn512Ser). This variant is not present in population databases (gnomAD no frequency). This variant has not been reported in the literature in individuals affected with FBXO38-related conditions. Advanced modeling of protein sequence and biophysical properties (such as structural, functional, and spatial information, amino acid conservation, physicochemical variation, residue mobility, and thermodynamic stability) performed at Invitae indicates that this missense variant is not expected to disrupt FBXO38 protein function. In summary, the available evidence is currently insufficient to determine the role of this variant in disease. Therefore, it has been classified as a Variant of Uncertain Significance.